The following is an entry in ClinVar:

ClinVar aggregate classification (germline): Uncertain significance. Review status: criteria provided, multiple submitters, no conflicts (2 of 4 stars). 2 submissions from 2 submitters: Uncertain significance (2). Last evaluated 2021-08-27.

Conditions:
Chédiak-Higashi syndrome (CHS). Also called: Chediak-Higashi Syndrome. Identifiers: Orphanet 167, MedGen C0007965, MONDO:0008963, OMIM 214500.

Allele frequency attached by ClinVar (database versions not stated): gnomAD 0.00002; TOPMed below 0.00001; gnomAD exomes 0.00001.
gnomAD v4.1: 18 of 1,600,994 alleles (0.0011%); highest among the groups gnomAD compares: Non-Finnish European, 0.0015%; no homozygotes.

Submissions (2):

Labcorp Genetics (formerly Invitae), Labcorp
Classification: Uncertain significance for Chédiak-Higashi syndrome. Last evaluated: 2021-08-27. Review status: criteria provided, single submitter. Criteria: Invitae Variant Classification Sherloc (09022015). Collection method: clinical testing. Allele origin: germline.
Comment: This sequence change replaces valine with isoleucine at codon 1902 of the LYST protein (p.Val1902Ile). The valine residue is weakly conserved and there is a small physicochemical difference between valine and isoleucine. This variant is not present in population databases (ExAC no frequency). This variant has not been reported in the literature in individuals affected with LYST-related conditions. Algorithms developed to predict the effect of missense changes on protein structure and function output the following: SIFT: "Tolerated"; PolyPhen-2: "Benign"; Align-GVGD: "Class C0". The isoleucine amino acid residue is found in multiple mammalian species, which suggests that this missense change does not adversely affect protein function. In summary, the available evidence is currently insufficient to determine the role of this variant in disease. Therefore, it has been classified as a Variant of Uncertain Significance.

Revvity Omics, Revvity
Classification: Uncertain significance for Chédiak-Higashi syndrome. Last evaluated: 2019-09-06. Review status: criteria provided, single submitter. Criteria: ACMG Guidelines, 2015. Collection method: clinical testing. Allele origin: germline.

NM_000081.4(LYST):c.5704G>A (p.Val1902Ile)

Gene: LYST (lysosomal trafficking regulator; minus strand). Cytogenetic location: 1q42.3.
Variant type: single nucleotide variant.
Coding change: c.5704G>A on transcript NM_000081.4 (MANE Select); coding-DNA position 5704, G replaced by A.
Protein change: p.Val1902Ile; replaces valine 1902 with isoleucine.
Molecular consequence: missense variant.
Genome position (GRCh38, 1-based): chr1:235,773,922, C>T on the plus strand (G>A on the coding strand, the complement: LYST is on the minus strand). VCF-style: chr1-235773922-C-T. GRCh37 (hg19) VCF-style: chr1-235937222-C-T.
Other names: c.5704G>A (NM_000081.3); c.5704G>A, p.Val1902Ile (NM_001301365.1); short protein forms V1902I.
Identifiers: ClinVar variation 1046046 (VCV001046046.9), dbSNP rs761345760, ClinGen allele CA39621209.